The following is an entry in ClinVar:

NM_206933.4(USH2A):c.5514T>G (p.Tyr1838Ter)

Genes: USH2A (usherin; minus strand), USH2A-AS2 (USH2A antisense RNA 2; plus strand). Cytogenetic location: 1q41.
Variant type: single nucleotide variant.
Coding change: c.5514T>G on transcript NM_206933.4 (MANE Select); coding-DNA position 5514, T replaced by G.
Protein change: p.Tyr1838Ter; replaces tyrosine 1838 with a stop codon.
Molecular consequence: nonsense.
Genome position (GRCh38, 1-based): chr1:216,078,147, A>C on the plus strand (T>G on the coding strand, the complement: USH2A is on the minus strand). VCF-style: chr1-216078147-A-C. GRCh37 (hg19) VCF-style: chr1-216251489-A-C.
Other names: short protein forms Y1838*.
Identifiers: ClinVar variation 4685573 (VCV004685573.1).
Genomic context (GRCh38, chr1:216,078,147, plus strand): 5'-ACCTTGTTCCAAACACAAATGTTGATAAGAGTTCAGCAGTTCCTGTGGGATTCCTCCCAC[A>C]TAAACTGGTGAATTCACCACCAGTGGCTGGTCTCCGGACTCCGATGCATGCTTCATCAGT-3'

ClinVar aggregate classification (germline): Pathogenic (1 of 4 stars; one submission).

Conditions:
Monogenic hearing loss.

Submission:

Genetics Laboratory, Great Ormond Street Hospital NHS Foundation Trust, North Thames Genomic Laboratory Hub
Classification: Pathogenic for Monogenic hearing loss. Last evaluated: 2025-11-18. Review status: criteria provided, single submitter. Criteria: ACGS Best Practice Guidelines for Variant Classification in Rare Disease 2024 v1.2. Collection method: clinical testing. Allele origin: germline. Affected: yes.
Comment: PM2_moderate, PVS1_very-strong, PM3_moderate